The following is an entry in ClinVar:

NM_001347721.2(DYRK1A):c.1936A>G (p.Met646Val)

Gene: DYRK1A (dual specificity tyrosine phosphorylation regulated kinase 1A; plus strand). Cytogenetic location: 21q22.13.
Variant type: single nucleotide variant.
Coding change: c.1936A>G on transcript NM_001347721.2 (MANE Select); coding-DNA position 1936, A replaced by G.
Protein change: p.Met646Val; replaces methionine 646 with valine.
Molecular consequence: missense variant. On other transcripts: 3 prime UTR variant (2).
Genome position (GRCh38, 1-based): chr21:37,512,202, A>G. VCF-style: chr21-37512202-A-G. GRCh37 (hg19) VCF-style: chr21-38884505-A-G.
Other names: c.1936A>G, p.Met646Val (NM_001347722.2, NM_130436.2); c.1849A>G, p.Met617Val (NM_001347723.2); c.1963A>G, p.Met655Val (NM_001396.5); c.*339A>G (NM_101395.2); c.*248A>G (NM_130438.2); short protein forms M617V, M646V, M655V.
Identifiers: ClinVar variation 2905591 (VCV002905591.3), dbSNP rs765435219, ClinGen allele CA10024135.
Genomic context (GRCh38, chr21:37,512,202, plus strand): 5'-TCTCCAACGAATAGCTCCTCTACCCAAGATTCTATGGAGGTTGGCCACAGTCACCACTCC[A>G]TGACATCCCTGTCTTCCTCAACGACTTCTTCCTCGACATCTTCCTCCTCTACTGGTAACC-3'
Protein context (NP_001334650.1, residues 636-656): SMEVGHSHHS[Met646Val]TSLSSSTTSS

ClinVar aggregate classification (germline): Uncertain significance (1 of 4 stars; one submission).

Conditions:
DYRK1A-related intellectual disability syndrome (MRD7). Also called: Intellectual developmental disorder, autosomal dominant 7; DYRK1A Syndrome. Identifiers: Orphanet 464306, MedGen C5568143, MONDO:0013578, OMIM 614104.

Allele frequency attached by ClinVar (database versions not stated): TOPMed below 0.00001; gnomAD 0.00001; gnomAD exomes 0.00001; ExAC 0.00002.
gnomAD v4.1: 9 of 1,614,222 alleles (0.00056%); highest among the groups gnomAD compares: East Asian, 0.0045%; no homozygotes.

Submission:

Labcorp Genetics (formerly Invitae), Labcorp
Classification: Uncertain significance for DYRK1A-related intellectual disability syndrome. Last evaluated: 2023-06-25. Review status: criteria provided, single submitter. Criteria: Invitae Variant Classification Sherloc (09022015). Collection method: clinical testing. Allele origin: germline.
Comment: In summary, the available evidence is currently insufficient to determine the role of this variant in disease. Therefore, it has been classified as a Variant of Uncertain Significance. An algorithm developed to predict the effect of missense changes on protein structure and function (PolyPhen-2) suggests that this variant is likely to be tolerated. This sequence change replaces methionine, which is neutral and non-polar, with valine, which is neutral and non-polar, at codon 655 of the DYRK1A protein (p.Met655Val). This variant is present in population databases (rs765435219, gnomAD 0.006%). This variant has not been reported in the literature in individuals affected with DYRK1A-related conditions.